The following is an entry in ClinVar:

ClinVar aggregate classification (germline): Uncertain significance (1 of 4 stars; one submission).

Submission:

Labcorp Genetics (formerly Invitae), Labcorp
Classification: Uncertain significance. Last evaluated: 2025-06-02. Review status: criteria provided, single submitter. Criteria: Invitae Variant Classification Sherloc (09022015). Collection method: clinical testing. Allele origin: germline.
Comment: This sequence change replaces leucine, which is neutral and non-polar, with proline, which is neutral and non-polar, at codon 164 of the RXYLT1 protein (p.Leu164Pro). This variant is not present in population databases (gnomAD no frequency). This variant has not been reported in the literature in individuals affected with RXYLT1-related conditions. ClinVar contains an entry for this variant (Variation ID: 2990904). Invitae Evidence Modeling of protein sequence and biophysical properties (such as structural, functional, and spatial information, amino acid conservation, physicochemical variation, residue mobility, and thermodynamic stability) indicates that this missense variant is expected to disrupt RXYLT1 protein function with a positive predictive value of 80%. In summary, the available evidence is currently insufficient to determine the role of this variant in disease. Therefore, it has been classified as a Variant of Uncertain Significance.

NM_014254.3(RXYLT1):c.491T>C (p.Leu164Pro)

Gene: RXYLT1 (ribitol xylosyltransferase 1; plus strand). Cytogenetic location: 12q14.2.
Variant type: single nucleotide variant.
Coding change: c.491T>C on transcript NM_014254.3 (MANE Select); coding-DNA position 491, T replaced by C.
Protein change: p.Leu164Pro; replaces leucine 164 with proline.
Molecular consequence: missense variant. On other transcripts: 5 prime UTR variant (1).
Genome position (GRCh38, 1-based): chr12:63,802,153, T>C. VCF-style: chr12-63802153-T-C. GRCh37 (hg19) VCF-style: chr12-64195933-T-C.
Other names: c.-290T>C (NM_001278237.2); short protein forms L164P.
Identifiers: ClinVar variation 2990904 (VCV002990904.3), dbSNP rs1440497370, ClinGen allele CA385657460.